The following is an entry in ClinVar:

ClinVar aggregate classification (germline): Benign/Likely benign. Review status: criteria provided, multiple submitters, no conflicts (2 of 4 stars). 3 submissions from 3 submitters: Benign (1); Likely benign (2). Last evaluated 2024-03-21.

Conditions:
Familial adenomatous polyposis 1 (FAP1). Also called: POLYPOSIS, ADENOMATOUS INTESTINAL; FAMILIAL ADENOMATOUS POLYPOSIS 1, ATTENUATED. Identifiers: MedGen C2713442, MONDO:0021056, OMIM 175100. Disease mechanism: loss of function.
Hereditary cancer-predisposing syndrome. Also called: Tumor predisposition; Hereditary Cancer Syndrome; Neoplastic Syndromes, Hereditary; Hereditary neoplastic syndrome. Identifiers: Orphanet 140162, MedGen C0027672, MeSH D009386, MONDO:0015356.

Submissions (3):

Myriad Genetics, Inc.
Classification: Benign for Familial adenomatous polyposis 1. Last evaluated: 2024-03-21. Review status: criteria provided, single submitter. Criteria: Myriad Autosomal Dominant, Autosomal Recessive and X-Linked Classification Criteria (2023). Collection method: clinical testing. Allele origin: unknown.
Comment: This variant is considered benign. This variant is a silent/synonymous amino acid change and it is not expected to impact splicing.

Blueprint Genetics
Classification: Likely benign. Last evaluated: 2023-08-22. Review status: criteria provided, single submitter. Criteria: ACMG Guidelines, 2015. Collection method: clinical testing. Allele origin: germline.

Ambry Genetics
Classification: Likely benign for Hereditary cancer-predisposing syndrome. Last evaluated: 2017-04-03. Review status: criteria provided, single submitter. Criteria: Ambry Variant Classification Scheme 2023. Collection method: clinical testing. Allele origin: germline.

NM_000038.6(APC):c.3534T>C (p.Asp1178=)

Gene: APC (APC regulator of Wnt signaling pathway; plus strand). Cytogenetic location: 5q22.2.
Variant type: single nucleotide variant.
Coding change: c.3534T>C on transcript NM_000038.6 (MANE Select); coding-DNA position 3534, T replaced by C.
Protein change: p.Asp1178=; no amino-acid change (aspartic acid 1178 retained).
Molecular consequence: synonymous variant.
Genome position (GRCh38, 1-based): chr5:112,839,128, T>C. VCF-style: chr5-112839128-T-C. GRCh37 (hg19) VCF-style: chr5-112174825-T-C.
Other names: c.3534T>C, p.Asp1178= (NM_001127510.3, NM_001354895.2); c.3480T>C, p.Asp1160= (NM_001127511.3); c.3588T>C, p.Asp1196= (NM_001354896.2); c.3564T>C, p.Asp1188= (NM_001354897.2); c.3459T>C, p.Asp1153= (NM_001354898.2); c.3450T>C, p.Asp1150= (NM_001354899.2); c.3411T>C, p.Asp1137= (NM_001354900.2); c.3357T>C, p.Asp1119= (NM_001354901.2); and 5 more.
Identifiers: ClinVar variation 482466 (VCV000482466.6), dbSNP rs1554085088, ClinGen allele CA445963565.